The following is an entry in ClinVar:

NM_000138.5(FBN1):c.3947G>A (p.Gly1316Glu)

Gene: FBN1 (fibrillin 1; minus strand). Cytogenetic location: 15q21.1.
Variant type: single nucleotide variant.
Coding change: c.3947G>A on transcript NM_000138.5 (MANE Select); coding-DNA position 3947, G replaced by A.
Protein change: p.Gly1316Glu; replaces glycine 1316 with glutamic acid.
Molecular consequence: missense variant.
Genome position (GRCh38, 1-based): chr15:48,481,672, C>T on the plus strand (G>A on the coding strand, the complement: FBN1 is on the minus strand). VCF-style: chr15-48481672-C-T. GRCh37 (hg19) VCF-style: chr15-48773869-C-T.
Other names: short protein forms G1316E.
Identifiers: ClinVar variation 1171588 (VCV001171588.5), dbSNP rs2141287306, ClinGen allele CA392322223.

ClinVar aggregate classification (germline): Uncertain significance. Review status: criteria provided, multiple submitters, no conflicts (2 of 4 stars). 3 submissions from 3 submitters: Uncertain significance (3). Last evaluated 2026-02-15.

Conditions:
Familial thoracic aortic aneurysm and aortic dissection (TAAD). Also called: Thoracic aortic aneurysms and dissections. Identifiers: Orphanet 91387, MedGen C4707243, MONDO:0019625.

Submissions (3):

Ambry Genetics
Classification: Uncertain significance for Familial thoracic aortic aneurysm and aortic dissection. Last evaluated: 2026-02-15. Review status: criteria provided, single submitter. Criteria: Ambry Variant Classification Scheme 2023. Collection method: clinical testing. Allele origin: germline.
Comment: The p.G1316E variant (also known as c.3947G>A), located in coding exon 31 of the FBN1 gene, results from a G to A substitution at nucleotide position 3947. The glycine at codon 1316 is replaced by glutamic acid, an amino acid with similar properties. This amino acid position is conserved. In addition, this alteration is predicted to be deleterious by in silico analysis. Based on the available evidence, the clinical significance of this variant remains unclear.

Color Diagnostics, LLC DBA Color Health
Classification: Uncertain significance for Familial thoracic aortic aneurysm and aortic dissection. Last evaluated: 2025-04-25. Review status: criteria provided, single submitter. Criteria: ACMG Guidelines, 2015. Collection method: clinical testing. Allele origin: germline.
Comment: This missense variant replaces glycine with glutamic acid at codon 1316 of the FBN1 protein. Computational prediction suggests that this variant may have a deleterious impact on protein structure and function. To our knowledge, functional studies have not been reported for this variant. This variant has not been reported in individuals affected with FBN1-related disorders in the literature. This variant has not been identified in the general population by the Genome Aggregation Database (gnomAD). The available evidence is insufficient to determine the role of this variant in disease conclusively. Therefore, this variant is classified as a Variant of Uncertain Significance.

Blueprint Genetics
Classification: Uncertain significance. Last evaluated: 2023-04-24. Review status: criteria provided, single submitter. Criteria: ACMG Guidelines, 2015. Collection method: clinical testing. Allele origin: germline.